The following is an entry in ClinVar:

ClinVar aggregate classification (germline): Uncertain significance (1 of 4 stars; one submission).

Submission:

Ambry Genetics
Classification: Uncertain significance. Last evaluated: 2023-05-18. Review status: criteria provided, single submitter. Criteria: Ambry Variant Classification Scheme 2023. Collection method: clinical testing. Allele origin: germline.
Comment: The p.V1984A variant (also known as c.5951T>C), located in coding exon 9 of the ALPK2 gene, results from a T to C substitution at nucleotide position 5951. The valine at codon 1984 is replaced by alanine, an amino acid with similar properties. This amino acid position is conserved. In addition, this alteration is predicted to be tolerated by in silico analysis. Since supporting evidence is limited at this time, the clinical significance of this alteration remains unclear.

NM_052947.4(ALPK2):c.5951T>C (p.Val1984Ala)

Gene: ALPK2 (alpha kinase 2; minus strand). Cytogenetic location: 18q21.31.
Variant type: single nucleotide variant.
Coding change: c.5951T>C on transcript NM_052947.4 (MANE Select); coding-DNA position 5951, T replaced by C.
Protein change: p.Val1984Ala; replaces valine 1984 with alanine.
Molecular consequence: missense variant.
Genome position (GRCh38, 1-based): chr18:58,515,071, A>G on the plus strand (T>C on the coding strand, the complement: ALPK2 is on the minus strand). VCF-style: chr18-58515071-A-G. GRCh37 (hg19) VCF-style: chr18-56182303-A-G.
Other names: short protein forms V1984A.
Identifiers: ClinVar variation 2564083 (VCV002564083.2), dbSNP rs2518861358, ClinGen allele CA402546515.